The following is an entry in ClinVar:

NM_001007553.3(CSDE1):c.422A>G (p.Tyr141Cys)

Gene: CSDE1 (cold shock domain containing E1; minus strand). Cytogenetic location: 1p13.2.
Variant type: single nucleotide variant.
Coding change: c.422A>G on transcript NM_001007553.3 (MANE Select); coding-DNA position 422, A replaced by G.
Protein change: p.Tyr141Cys; replaces tyrosine 141 with cysteine.
Molecular consequence: missense variant.
Genome position (GRCh38, 1-based): chr1:114,736,836, T>C on the plus strand (A>G on the coding strand, the complement: CSDE1 is on the minus strand). VCF-style: chr1-114736836-T-C. GRCh37 (hg19) VCF-style: chr1-115279457-T-C.
Other names: c.467A>G, p.Tyr156Cys (NM_001130523.3); c.560A>G, p.Tyr187Cys (NM_001242891.2); c.422A>G, p.Tyr141Cys (NM_001242892.2); c.329A>G, p.Tyr110Cys (NM_001242893.2, NM_007158.6); short protein forms Y110C, Y156C, Y141C, Y187C.
Identifiers: ClinVar variation 3269732 (VCV003269732.1).

ClinVar aggregate classification (germline): Uncertain significance (1 of 4 stars; one submission).

Conditions:
Inborn genetic diseases. Identifiers: MedGen C0950123, MeSH D030342.

gnomAD v4.1: 1 of 1,611,826 alleles (0.000062%); highest among the groups gnomAD compares: Non-Finnish European, 0.000085%; no homozygotes.

Submission:

Ambry Genetics
Classification: Uncertain significance for Inborn genetic diseases. Last evaluated: 2024-06-07. Review status: criteria provided, single submitter. Criteria: Ambry Variant Classification Scheme 2023. Collection method: clinical testing. Allele origin: germline.
Comment: The c.560A>G (p.Y187C) alteration is located in exon 7 (coding exon 5) of the CSDE1 gene. This alteration results from a A to G substitution at nucleotide position 560, causing the tyrosine (Y) at amino acid position 187 to be replaced by a cysteine (C). This variant was not reported in population-based cohorts in the Genome Aggregation Database (gnomAD). This amino acid position is well conserved in available vertebrate species. This alteration is predicted to be deleterious by in silico analysis. Based on insufficient or conflicting evidence, the clinical significance of this alteration remains unclear.